The following is an entry in ClinVar:

NM_153240.5(NPHP3):c.2364G>A (p.Met788Ile)

Genes: NPHP3 (nephrocystin 3; minus strand), NPHP3-ACAD11 (NPHP3-ACAD11 readthrough (NMD candidate); minus strand). Cytogenetic location: 3q22.1.
Variant type: single nucleotide variant.
Coding change: c.2364G>A on transcript NM_153240.5 (MANE Select); coding-DNA position 2364, G replaced by A.
Protein change: p.Met788Ile; replaces methionine 788 with isoleucine.
Molecular consequence: missense variant. On other transcripts: non-coding transcript variant (1).
Genome position (GRCh38, 1-based): chr3:132,692,765, C>T on the plus strand (G>A on the coding strand, the complement: NPHP3 is on the minus strand). VCF-style: chr3-132692765-C-T. GRCh37 (hg19) VCF-style: chr3-132411609-C-T.
Other names: short protein forms M788I.
Identifiers: ClinVar variation 3713754 (VCV003713754.1).

ClinVar aggregate classification (germline): Uncertain significance (1 of 4 stars; one submission).

Conditions:
Nephronophthisis. Also called: Juvenile Nephronophthisis. Identifiers: Orphanet 655, MedGen C0687120, MONDO:0019005, HP:0000090.

gnomAD v4.1: 3 of 1,613,906 alleles (0.00019%); highest among the groups gnomAD compares: Non-Finnish European, 0.00017%; no homozygotes.

Submission:

Labcorp Genetics (formerly Invitae), Labcorp
Classification: Uncertain significance for Nephronophthisis. Last evaluated: 2024-05-15. Review status: criteria provided, single submitter. Criteria: Invitae Variant Classification Sherloc (09022015). Collection method: clinical testing. Allele origin: germline.
Comment: This sequence change replaces methionine, which is neutral and non-polar, with isoleucine, which is neutral and non-polar, at codon 788 of the NPHP3 protein (p.Met788Ile). This variant is present in population databases (rs779746124, gnomAD 0.0009%). This variant has not been reported in the literature in individuals affected with NPHP3-related conditions. Advanced modeling of protein sequence and biophysical properties (such as structural, functional, and spatial information, amino acid conservation, physicochemical variation, residue mobility, and thermodynamic stability) has been performed at Invitae for this missense variant, however the output from this modeling did not meet the statistical confidence thresholds required to predict the impact of this variant on NPHP3 protein function. In summary, the available evidence is currently insufficient to determine the role of this variant in disease. Therefore, it has been classified as a Variant of Uncertain Significance.